The following is an entry in ClinVar:

ClinVar aggregate classification (germline): Uncertain significance (1 of 4 stars; one submission).

Conditions:
Joubert syndrome 18 (JBTS18). Identifiers: Orphanet 2754, MedGen C3553758, MONDO:0013896, OMIM 614815.
Orofacial-digital syndrome IV (OFD4). Also called: BARAITSER-BURN SYNDROME; MOHR-MAJEWSKI SYNDROME; OFD SYNDROME WITH TIBIAL DEFECTS; OFD SYNDROME, BARAITSER-BURN TYPE; OFDS IV; ORAL-FACIAL-DIGITAL SYNDROME, TYPE IV. Identifiers: Orphanet 2753, MedGen C0406727, MONDO:0009794, OMIM 258860.

Submission:

Labcorp Genetics (formerly Invitae), Labcorp
Classification: Uncertain significance for Joubert syndrome 18; Orofacial-digital syndrome IV. Last evaluated: 2022-09-01. Review status: criteria provided, single submitter. Criteria: Invitae Variant Classification Sherloc (09022015). Collection method: clinical testing. Allele origin: germline.
Comment: This variant is not present in population databases (gnomAD no frequency). This sequence change replaces leucine, which is neutral and non-polar, with phenylalanine, which is neutral and non-polar, at codon 450 of the TCTN3 protein (p.Leu450Phe). This variant has not been reported in the literature in individuals affected with TCTN3-related conditions. ClinVar contains an entry for this variant (Variation ID: 1386841). Algorithms developed to predict the effect of missense changes on protein structure and function are either unavailable or do not agree on the potential impact of this missense change (SIFT: "Tolerated"; PolyPhen-2: "Possibly Damaging"; Align-GVGD: "Class C0"). In summary, the available evidence is currently insufficient to determine the role of this variant in disease. Therefore, it has been classified as a Variant of Uncertain Significance.

NM_015631.6(TCTN3):c.1348C>T (p.Leu450Phe)

Gene: TCTN3 (tectonic family member 3; minus strand). Cytogenetic location: 10q24.1.
Variant type: single nucleotide variant.
Coding change: c.1348C>T on transcript NM_015631.6 (MANE Select); coding-DNA position 1348, C replaced by T.
Protein change: p.Leu450Phe; replaces leucine 450 with phenylalanine.
Molecular consequence: missense variant.
Genome position (GRCh38, 1-based): chr10:95,682,755, G>A on the plus strand (C>T on the coding strand, the complement: TCTN3 is on the minus strand). VCF-style: chr10-95682755-G-A. GRCh37 (hg19) VCF-style: chr10-97442512-G-A.
Other names: c.904C>T, p.Leu302Phe (NM_001143973.2); short protein forms L302F, L450F.
Identifiers: ClinVar variation 1386841 (VCV001386841.6), dbSNP rs2139737228, ClinGen allele CA377702511.
Genomic context (GRCh38, chr10:95,682,755, plus strand): 5'-TCTGGGCTGGGTCAGCATTACCAAAGATGGCAACATACTCTGGTCTGGGCCTTCCATGAA[G>A]AGTCTGATAAATCTCCTGCTGCAAGTGGCTGCAGTCTGCCTTCTTCAACCTATAATTAAA-3'
Protein context (NP_056446.4, residues 440-460): SHLQQEIYQT[Leu450Phe]HGRPRPEYVA